The following is an entry in ClinVar:

NM_177438.3(DICER1):c.3696C>A (p.Ser1232Arg)

Gene: DICER1 (dicer 1, ribonuclease III; minus strand). Cytogenetic location: 14q32.13.
Variant type: single nucleotide variant.
Coding change: c.3696C>A on transcript NM_177438.3 (MANE Select); coding-DNA position 3696, C replaced by A.
Protein change: p.Ser1232Arg; replaces serine 1232 with arginine.
Molecular consequence: missense variant. On other transcripts: non-coding transcript variant (6).
Genome position (GRCh38, 1-based): chr14:95,103,700, G>T on the plus strand (C>A on the coding strand, the complement: DICER1 is on the minus strand). VCF-style: chr14-95103700-G-T. GRCh37 (hg19) VCF-style: chr14-95570037-G-T.
Other names: c.3696C>A, p.Ser1232Arg (NM_001195573.1, NM_001271282.3, NM_001291628.2 and 12 more transcripts); c.3414C>A, p.Ser1138Arg (NM_001395686.1); c.3291C>A, p.Ser1097Arg (NM_001395687.1, NM_001395688.1, NM_001395689.1 and 2 more transcripts); c.3129C>A, p.Ser1043Arg (NM_001395691.1); c.2013C>A, p.Ser671Arg (NM_001395697.1); short protein forms S1097R, S1232R, S1138R, S671R, S1043R.
Identifiers: ClinVar variation 3272060 (VCV003272060.1).

ClinVar aggregate classification (germline): Uncertain significance (1 of 4 stars; one submission).

Conditions:
Hereditary cancer-predisposing syndrome. Also called: Tumor predisposition; Hereditary Cancer Syndrome; Hereditary neoplastic syndrome; Neoplastic Syndromes, Hereditary. Identifiers: Orphanet 140162, MedGen C0027672, MeSH D009386, MONDO:0015356.

Submission:

Ambry Genetics
Classification: Uncertain significance for Hereditary cancer-predisposing syndrome. Last evaluated: 2024-06-21. Review status: criteria provided, single submitter. Criteria: Ambry Variant Classification Scheme 2023. Collection method: clinical testing. Allele origin: germline.
Comment: The p.S1232R variant (also known as c.3696C>A), located in coding exon 20 of the DICER1 gene, results from a C to A substitution at nucleotide position 3696. The serine at codon 1232 is replaced by arginine, an amino acid with dissimilar properties. This amino acid position is conserved. In addition, the in silico prediction for this alteration is inconclusive. Based on the available evidence, the clinical significance of this variant remains unclear.